The following is an entry in ClinVar:

NM_000639.3(FASLG):c.796C>G (p.Leu266Val)

Gene: FASLG (Fas ligand; plus strand). Cytogenetic location: 1q24.3.
Variant type: single nucleotide variant.
Coding change: c.796C>G on transcript NM_000639.3 (MANE Select); coding-DNA position 796, C replaced by G.
Protein change: p.Leu266Val; replaces leucine 266 with valine.
Molecular consequence: missense variant. On other transcripts: 3 prime UTR variant (1).
Genome position (GRCh38, 1-based): chr1:172,665,966, C>G. VCF-style: chr1-172665966-C-G. GRCh37 (hg19) VCF-style: chr1-172635106-C-G.
Other names: c.*366C>G (NM_001302746.2); short protein forms L266V.
Identifiers: ClinVar variation 2100715 (VCV002100715.4), dbSNP rs35178418, ClinGen allele CA32979657.

ClinVar aggregate classification (germline): Uncertain significance (1 of 4 stars; one submission).

Conditions:
Autoimmune lymphoproliferative syndrome type 1. Also called: AUTOIMMUNE LYMPHOPROLIFERATIVE SYNDROME, TYPE I, AUTOSOMAL DOMINANT. Identifiers: Orphanet 3261, MedGen C2717884, MONDO:0011158, OMIM 601859.

Submission:

Labcorp Genetics (formerly Invitae), Labcorp
Classification: Uncertain significance for Autoimmune lymphoproliferative syndrome. Last evaluated: 2024-01-02. Review status: criteria provided, single submitter. Criteria: Invitae Variant Classification Sherloc (09022015). Collection method: clinical testing. Allele origin: germline.
Comment: This sequence change replaces leucine, which is neutral and non-polar, with valine, which is neutral and non-polar, at codon 266 of the FASLG protein (p.Leu266Val). This variant is not present in population databases (gnomAD no frequency). This variant has not been reported in the literature in individuals affected with FASLG-related conditions. ClinVar contains an entry for this variant (Variation ID: 2100715). Algorithms developed to predict the effect of missense changes on protein structure and function output the following: SIFT: "Not Available"; PolyPhen-2: "Benign"; Align-GVGD: "Not Available". The valine amino acid residue is found in multiple mammalian species, which suggests that this missense change does not adversely affect protein function. In summary, the available evidence is currently insufficient to determine the role of this variant in disease. Therefore, it has been classified as a Variant of Uncertain Significance.